The following is an entry in ClinVar:

ClinVar aggregate classification (germline): Conflicting classifications of pathogenicity. Review status: criteria provided, conflicting classifications (1 of 4 stars). 4 submissions from 4 submitters: Likely pathogenic (2); Uncertain significance (1). 1 of the submissions does not count toward it. Last evaluated 2025-06-10.

Conditions:
TBXAS1-related disorder. Also called: TBXAS1-related condition.
Ghosal hematodiaphyseal dysplasia. Also called: Ghosal hematodiaphyseal syndrome. Identifiers: Orphanet 1802, MedGen C1856465, MONDO:0009274, OMIM 231095.

Allele frequency attached by ClinVar (database versions not stated): ExAC 0.00004; gnomAD exomes 0.00004 and 0.00011; gnomAD 0.00009; TOPMed 0.00012.

Submissions (4):

Women's Health and Genetics/Laboratory Corporation of America, LabCorp
Classification: Likely pathogenic for Ghosal hematodiaphyseal dysplasia. Last evaluated: 2025-06-10. Review status: criteria provided, single submitter. Criteria: LabCorp Variant Classification Summary - May 2015. Collection method: clinical testing. Allele origin: germline.
Comment: Variant summary: TBXAS1 c.245T>C (p.Leu82Pro) results in a non-conservative amino acid change in the encoded protein sequence. Algorithms developed to predict the effect of missense changes on protein structure and function all suggest that this variant is likely to be disruptive. The variant allele was found at a frequency of 4.4e-05 in 251418 control chromosomes (gnomAD). This frequency is not significantly higher than estimated for a pathogenic variant in TBXAS1 causing Ghosal Hematodiaphyseal Dysplasia, allowing no conclusion about variant significance. c.245T>C has been observed in two siblings affected with clinical features of Ghosal Hematodiaphyseal Dysplasia (Genevieve_2008). These data indicate that the variant is likely to be associated with disease. To our knowledge, no experimental evidence demonstrating an impact on protein function has been reported. The following publications have been ascertained in the context of this evaluation (PMID: 18264100, 37647632). ClinVar contains an entry for this variant (Variation ID: 11887). Based on the evidence outlined above, the variant was classified as likely pathogenic.

Blueprint Genetics
Classification: Likely pathogenic for TBXAS1-related disorders. Last evaluated: 2024-07-10. Review status: criteria provided, single submitter. Criteria: ACMG Guidelines, 2015. Collection method: clinical testing. Allele origin: germline. Affected: yes. Observed: 5 variant alleles.

Eurofins Ntd Llc (ga)
Classification: Uncertain significance. Last evaluated: 2015-03-09. Review status: criteria provided, single submitter. Criteria: EGL Classification Definitions 2015. Collection method: clinical testing. Allele origin: germline. Observed: 1 variant allele, 1 heterozygote.

OMIM
Classification: Pathogenic for GHOSAL HEMATODIAPHYSEAL DYSPLASIA. Last evaluated: 2008-03-01. Review status: no assertion criteria provided. Collection method: literature only. Allele origin: germline. Not counted in ClinVar's aggregate classification.

Literature cited by the submitters: PubMed 37647632 (cited by Women's Health and Genetics/Laboratory Corporation of America, LabCorp); PubMed 18264100 (cited by Women's Health and Genetics/Laboratory Corporation of America, LabCorp and OMIM); PubMed 17203301 (cited by OMIM).

NM_001061.7(TBXAS1):c.245T>C (p.Leu82Pro)

Gene: TBXAS1 (thromboxane A synthase 1; plus strand). Cytogenetic location: 7q34.
Variant type: single nucleotide variant.
Coding change: c.245T>C on transcript NM_001061.7 (MANE Select); coding-DNA position 245, T replaced by C.
Protein change: p.Leu82Pro; replaces leucine 82 with proline.
Molecular consequence: missense variant. On other transcripts: intron variant (1).
Genome position (GRCh38, 1-based): chr7:139,911,233, T>C. VCF-style: chr7-139911233-T-C. GRCh37 (hg19) VCF-style: chr7-139611032-T-C.
Other names: L83P; c.245T>C, p.Leu82Pro (NM_001130966.5, NM_001166253.4, NM_001366538.2 and 1 more transcripts); c.44T>C, p.Leu15Pro (NM_001166254.4); c.188T>C, p.Leu63Pro (NM_001314028.4); c.151-24958T>C (NM_001366537.3); short protein forms L15P, L82P, L63P.
Identifiers: ClinVar variation 11887 (VCV000011887.9), dbSNP rs140005285, ClinGen allele CA121728.